The following is an entry in ClinVar:

ClinVar aggregate classification (germline): Uncertain significance (1 of 4 stars; one submission).

Submission:

Labcorp Genetics (formerly Invitae), Labcorp
Classification: Uncertain significance. Last evaluated: 2024-03-30. Review status: criteria provided, single submitter. Criteria: Invitae Variant Classification Sherloc (09022015). Collection method: clinical testing. Allele origin: germline.
Comment: This sequence change falls in intron 6 of the CHM gene. It does not directly change the encoded amino acid sequence of the CHM protein. This variant is not present in population databases (gnomAD no frequency). This variant has not been reported in the literature in individuals affected with CHM-related conditions. Algorithms developed to predict the effect of sequence changes on RNA splicing suggest that this variant may disrupt the consensus splice site. In summary, the available evidence is currently insufficient to determine the role of this variant in disease. Therefore, it has been classified as a Variant of Uncertain Significance.

NM_000390.4(CHM):c.820-11A>G

Gene: CHM (CHM Rab escort protein; minus strand). Cytogenetic location: Xq21.2.
Variant type: single nucleotide variant.
Coding change: c.820-11A>G on transcript NM_000390.4 (MANE Select); 11 bases into the intron before coding-DNA position 820, A replaced by G.
Molecular consequence: intron variant.
Genome position (GRCh38, 1-based): chrX:85,957,986, T>C on the plus strand (A>G on the coding strand, the complement: CHM is on the minus strand). VCF-style: chrX-85957986-T-C. GRCh37 (hg19) VCF-style: chrX-85212991-T-C.
Other names: c.376-11A>G (NM_001362519.1, NM_001362517.1, NM_001320959.1 and 1 more transcripts).
Identifiers: ClinVar variation 3695125 (VCV003695125.2).